The following is an entry in ClinVar:

ClinVar aggregate classification (germline): Uncertain significance (1 of 4 stars; one submission).

Conditions:
Hereditary cancer-predisposing syndrome. Also called: Tumor predisposition; Hereditary Cancer Syndrome; Hereditary neoplastic syndrome; Neoplastic Syndromes, Hereditary. Identifiers: Orphanet 140162, MedGen C0027672, MeSH D009386, MONDO:0015356.

Allele frequency attached by ClinVar (database versions not stated): gnomAD 0.00001.

Submission:

Ambry Genetics
Classification: Uncertain significance for Hereditary cancer-predisposing syndrome. Last evaluated: 2024-10-04. Review status: criteria provided, single submitter. Criteria: Ambry Variant Classification Scheme 2023. Collection method: clinical testing. Allele origin: germline.
Comment: The p.K1242M variant (also known as c.3725A>T), located in coding exon 30 of the TSC2 gene, results from an A to T substitution at nucleotide position 3725. The lysine at codon 1242 is replaced by methionine, an amino acid with similar properties. This amino acid position is conserved. In addition, this alteration is predicted to be deleterious by in silico analysis. Based on the available evidence, the clinical significance of this variant remains unclear.

NM_000548.5(TSC2):c.3725A>T (p.Lys1242Met)

Gene: TSC2 (TSC complex subunit 2; plus strand). Cytogenetic location: 16p13.3.
Variant type: single nucleotide variant.
Coding change: c.3725A>T on transcript NM_000548.5 (MANE Select); coding-DNA position 3725, A replaced by T.
Protein change: p.Lys1242Met; replaces lysine 1242 with methionine.
Molecular consequence: missense variant. On other transcripts: non-coding transcript variant (5).
Genome position (GRCh38, 1-based): chr16:2,081,709, A>T. VCF-style: chr16-2081709-A-T. GRCh37 (hg19) VCF-style: chr16-2131710-A-T.
Other names: c.3593A>T, p.Lys1198Met (NM_001077183.3, NM_001370404.1, NM_001406665.1); c.3725A>T, p.Lys1242Met (NM_001114382.3); c.3485A>T, p.Lys1162Met (NM_001318827.2); c.3449A>T, p.Lys1150Met (NM_001318829.2); c.2993A>T, p.Lys998Met (NM_001318831.2, NM_001406687.1, NM_001406688.1); c.3626A>T, p.Lys1209Met (NM_001318832.2); c.3596A>T, p.Lys1199Met (NM_001363528.2, NM_001370405.1, NM_021055.3); c.3722A>T, p.Lys1241Met (NM_001406663.1, NM_001406664.1); and 18 more; short protein forms K1041M, K1045M, K1194M, K1199M, K794M, K999M, K1193M, K1228M.
Identifiers: ClinVar variation 2602462 (VCV002602462.3), dbSNP rs1567510728, ClinGen allele CA394292815.